The following is an entry in ClinVar:

ClinVar aggregate classification (germline): Uncertain significance. Review status: criteria provided, multiple submitters, no conflicts (2 of 4 stars). 8 submissions from 8 submitters: Uncertain significance (8). Last evaluated 2025-12-30.

Conditions:
Lissencephaly 4 (LIS4). Also called: Lissencephaly 4 (with microcephaly). Identifiers: Orphanet 1083, MedGen C3151461, MONDO:0013527, OMIM 614019.
Familial thoracic aortic aneurysm and aortic dissection (TAAD). Also called: Thoracic aortic aneurysms and dissections. Identifiers: Orphanet 91387, MedGen C4707243, MONDO:0019625.
Aortic aneurysm, familial thoracic 4 (AAT4). Also called: AORTIC ANEURYSM/AORTIC DISSECTION AND PATENT DUCTUS ARTERIOSUS. Identifiers: MedGen C1851504, MONDO:0007568, OMIM 132900.

Allele frequency attached by ClinVar (database versions not stated): ExAC 0.00002; gnomAD 0.00003 and 0.00004; TOPMed 0.00003; ESP Exome Variant Server 0.00008.
gnomAD v4.1: 47 of 1,613,956 alleles (0.0029%); highest among the groups gnomAD compares: East Asian, 0.0089%; no homozygotes.

Submissions (8):

Labcorp Genetics (formerly Invitae), Labcorp
Classification: Uncertain significance for Aortic aneurysm, familial thoracic 4. Last evaluated: 2025-12-30. Review status: criteria provided, single submitter. Criteria: Invitae Variant Classification Sherloc (09022015). Collection method: clinical testing. Allele origin: germline.
Comment: This sequence change replaces valine, which is neutral and non-polar, with methionine, which is neutral and non-polar, at codon 1450 of the MYH11 protein (p.Val1450Met). This variant is present in population databases (rs141262029, gnomAD 0.01%). This variant has not been reported in the literature in individuals affected with MYH11-related conditions. ClinVar contains an entry for this variant (Variation ID: 159022). Invitae Evidence Modeling of protein sequence and biophysical properties (such as structural, functional, and spatial information, amino acid conservation, physicochemical variation, residue mobility, and thermodynamic stability) indicates that this missense variant is not expected to disrupt MYH11 protein function with a negative predictive value of 95%. In summary, the available evidence is currently insufficient to determine the role of this variant in disease. Therefore, it has been classified as a Variant of Uncertain Significance.

Color Diagnostics, LLC DBA Color Health
Classification: Uncertain significance for Familial thoracic aortic aneurysm and aortic dissection. Last evaluated: 2024-05-14. Review status: criteria provided, single submitter. Criteria: ACMG Guidelines, 2015. Collection method: clinical testing. Allele origin: germline.
Comment: This missense variant replaces valine with methionine at codon 1450 of the MYH11 protein. Computational prediction suggests that this variant may have deleterious impact on protein structure and function. To our knowledge, functional studies have not been reported for this variant. This variant has not been reported in individuals affected with MYH11-related disorders in the literature. This variant has been identified in 6/251486 chromosomes in the general population by the Genome Aggregation Database (gnomAD). The available evidence is insufficient to determine the role of this variant in disease conclusively. Therefore, this variant is classified as a Variant of Uncertain Significance.

Blueprint Genetics
Classification: Uncertain significance. Last evaluated: 2023-12-18. Review status: criteria provided, single submitter. Criteria: ACMG Guidelines, 2015. Collection method: clinical testing. Allele origin: germline.

GeneDx
Classification: Uncertain significance. Last evaluated: 2023-03-30. Review status: criteria provided, single submitter. Criteria: GeneDx Variant Classification Process June 2021. Collection method: clinical testing. Allele origin: germline. Affected: yes.
Comment: Has not been previously published as pathogenic or benign to our knowledge; In silico analysis supports that this missense variant does not alter protein structure/function

Ambry Genetics
Classification: Uncertain significance for Familial thoracic aortic aneurysm and aortic dissection. Last evaluated: 2023-01-13. Review status: criteria provided, single submitter. Criteria: Ambry Variant Classification Scheme 2023. Collection method: clinical testing. Allele origin: germline.
Comment: The p.V1443M variant (also known as c.4327G>A), located in coding exon 30 of the MYH11 gene, results from a G to A substitution at nucleotide position 4327. The valine at codon 1443 is replaced by methionine, an amino acid with highly similar properties. This amino acid position is highly conserved in available vertebrate species. In addition, the in silico prediction for this alteration is inconclusive. Since supporting evidence is limited at this time, the clinical significance of this alteration remains unclear.

CeGaT Center for Human Genetics Tuebingen
Classification: Uncertain significance. Last evaluated: 2020-01-01. Review status: criteria provided, single submitter. Criteria: CeGaT Center For Human Genetics Tuebingen Variant Classification Criteria Version 2. Collection method: clinical testing. Allele origin: germline. Affected: yes. Observed: 1 variant allele.

Athena Diagnostics
Classification: Uncertain significance. Last evaluated: 2017-07-17. Review status: criteria provided, single submitter. Criteria: Athena Diagnostics Criteria. Collection method: clinical testing. Allele origin: germline.

Genetic Services Laboratory, University of Chicago
Classification: Uncertain significance for Lissencephaly 4. Last evaluated: 2014-05-14. Review status: criteria provided, single submitter. Criteria: ACMG Guidelines, 2015. Collection method: clinical testing. Allele origin: germline. Inheritance: Autosomal recessive inheritance.

NM_002474.3(MYH11):c.4327G>A (p.Val1443Met)

Genes: MYH11 (myosin heavy chain 11; minus strand), NDE1 (nudE neurodevelopment protein 1; plus strand). Cytogenetic location: 16p13.11.
Variant type: single nucleotide variant.
Coding change: c.4327G>A on transcript NM_002474.3 (MANE Select); coding-DNA position 4327, G replaced by A.
Protein change: p.Val1443Met; replaces valine 1443 with methionine.
Molecular consequence: missense variant.
Genome position (GRCh38, 1-based): chr16:15,724,199, C>T on the plus strand (G>A on the coding strand, the complement: MYH11 is on the minus strand). VCF-style: chr16-15724199-C-T. GRCh37 (hg19) VCF-style: chr16-15818056-C-T.
Other names: c.4348G>A, p.Val1450Met (NM_001040113.2, NM_001040114.2); c.4327G>A, p.Val1443Met (NM_022844.3); c.956C>T, p.Thr319Met (NM_001143979.2, NM_017668.3); short protein forms T319M, V1450M, V1443M.
Identifiers: ClinVar variation 159022 (VCV000159022.65), dbSNP rs141262029, ClinGen allele CA172638.